The following is an entry in ClinVar:

NM_000037.4(ANK1):c.5044C>T (p.Arg1682Ter)

Gene: ANK1 (ankyrin 1; minus strand). Cytogenetic location: 8p11.21.
Variant type: single nucleotide variant.
Coding change: c.5044C>T on transcript NM_000037.4 (MANE Select); coding-DNA position 5044, C replaced by T.
Protein change: p.Arg1682Ter; replaces arginine 1682 with a stop codon.
Molecular consequence: nonsense.
Genome position (GRCh38, 1-based): chr8:41,672,406, G>A on the plus strand (C>T on the coding strand, the complement: ANK1 is on the minus strand). VCF-style: chr8-41672406-G-A. GRCh37 (hg19) VCF-style: chr8-41529924-G-A.
Other names: c.5167C>T, p.Arg1723Ter (NM_001142446.2); c.5044C>T, p.Arg1682Ter (NM_020475.3, NM_020476.3); c.4558C>T, p.Arg1520Ter (NM_020477.3); c.5044C>T (NM_020476.2); short protein forms R1520*, R1682*, R1723*.
Identifiers: ClinVar variation 2434998 (VCV002434998.12), dbSNP rs2487635534, ClinGen allele CA371053510.
Genomic context (GRCh38, chr8:41,672,406, plus strand): 5'-GCTCTTACCTGTCCTGACTCCTCTCCGTCACCTGACTCACGGTGGGGGAATGTGTGATTC[G>A]GGCTTGCCCCCTCTGATGGCCTGAAACAAGAGACACTTCATTCTCTGAGTCCTGCCCTGC-3'

ClinVar aggregate classification (germline): Pathogenic. Review status: criteria provided, multiple submitters, no conflicts (2 of 4 stars). 6 submissions from 6 submitters: Pathogenic (6). Last evaluated 2026-07-08.

Conditions:
ANK1-related disorder. Also called: ANK1-related condition.
Hereditary spherocytosis type 1. Also called: Spherocytosis type 1; ANK1-Related Spherocytosis. Identifiers: Orphanet 822, MedGen C2674218, MONDO:0008447, OMIM 182900.

Submissions (6):

PreventionGenetics, part of Exact Sciences
Classification: Pathogenic for ANK1-related condition. Last evaluated: 2026-07-08. Review status: criteria provided, single submitter. Criteria: ACMG Guidelines, 2015. Collection method: clinical testing. Allele origin: germline.
Comment: The ANK1 c.5044C>T variant is predicted to result in premature protein termination (p.Arg1682*). This variant has previously been reported to be causative for autosomal dominant hereditary spherocytosis (Park et al 2016. PubMed ID: 26830532; Supplemental Table 1, Isik et al. 2024. PubMed ID: 38556258). This variant has not been reported in a large population database (gnomAD), indicating this variant is rare. Nonsense variants in ANK1 are expected to be pathogenic. This variant is interpreted as pathogenic.

Victorian Clinical Genetics Services, Murdoch Childrens Research Institute
Classification: Pathogenic for Hereditary spherocytosis type 1. Last evaluated: 2025-02-21. Review status: criteria provided, single submitter. Criteria: ACMG Guidelines, 2015. Collection method: clinical testing. Allele origin: germline. Affected: yes.
Comment: This variant is classified as Pathogenic. Evidence in support of pathogenic classification: Variant is predicted to cause nonsense-mediated decay (NMD) and loss of protein (premature termination codon is located at least 54 nucleotides upstream of the final exon-exon junction); Variant is absent from gnomAD (v2, v3 and v4); This variant has moderate previous evidence of pathogenicity in unrelated individuals. This variant has been classified as pathogenic three times by clinical laboratories (ClinVar); Other NMD-predicted variant(s) comparable to the one identified in this case have very strong previous evidence for pathogenicity (DECIPHER). Additional information: This variant is heterozygous; This gene is associated with autosomal dominant disease. Whilst predominantly autosomal dominant, biallelic variants have been associated with a more severe disorder; however, this is not well established (ClinGen); Loss of function is a known mechanism of disease in this gene and is associated with spherocytosis, type 1 (MIM#182900); Variants in this gene are known to have variable expressivity. Mildly affected individuals may appear asymptomatic (ClinGen); Inheritance information for this variant is not currently available in this individual.

Women's Health and Genetics/Laboratory Corporation of America, LabCorp
Classification: Pathogenic for Hereditary spherocytosis type 1. Last evaluated: 2025-01-30. Review status: criteria provided, single submitter. Criteria: LabCorp Variant Classification Summary - May 2015. Collection method: clinical testing. Allele origin: germline.
Comment: Variant summary: ANK1 c.5044C>T (p.Arg1682X) results in a premature termination codon, predicted to cause a truncation of the encoded protein or absence of the protein due to nonsense mediated decay, which are commonly known mechanisms for disease. The variant was absent in 251146 control chromosomes. c.5044C>T has been reported in the literature in multiple individuals affected with Hereditary Spherocytosis Type 1 (e.g., Park_2016). These data indicate that the variant may be associated with disease. To our knowledge, no experimental evidence demonstrating an impact on protein function has been reported. The following publication has been ascertained in the context of this evaluation (PMID: 26830532). ClinVar contains an entry for this variant (Variation ID: 2434998). Based on the evidence outlined above, the variant was classified as pathogenic.

Revvity Omics, Revvity
Classification: Pathogenic for Hereditary spherocytosis type 1. Last evaluated: 2024-11-21. Review status: criteria provided, single submitter. Criteria: ACMG Guidelines, 2015. Collection method: clinical testing. Allele origin: germline.

ARUP Laboratories, Molecular Genetics and Genomics, ARUP Laboratories
Classification: Pathogenic for Hereditary spherocytosis type 1. Last evaluated: 2024-05-22. Review status: criteria provided, single submitter. Criteria: ARUP Molecular Germline Variant Investigation Process 2024. Collection method: clinical testing. Allele origin: germline.
Comment: The ANK1 c.5044C>T; p.Arg1682Ter variant is reported in the literature in two individuals affected with hereditary spherocytosis (Park 2016). This variant is also absent from the Genome Aggregation Database, indicating it is not a common polymorphism. This variant induces an early termination codon and is predicted to result in a truncated protein or mRNA subject to nonsense-mediated decay. Based on available information, this variant is considered to be pathogenic. References: Park J et al. Mutational characteristics of ANK1 and SPTB genes in hereditary spherocytosis. Clin Genet. 2016 Jul. PMID: 26830532.

Juno Genomics, Hangzhou Juno Genomics, Inc
Classification: Pathogenic for Hereditary spherocytosis type 1. Review status: criteria provided, single submitter. Criteria: ACMG Guidelines, 2015. Collection method: clinical testing. Allele origin: germline. Affected: yes.
Comment: Absent from controls (or at extremely low frequency if recessive) in Genome Aggregation Database, Exome Sequencing Project, 1000 Genomes Project, or Exome Aggregation Consortium.;Null variant in a gene where loss of function (LOF) is a known mechanism of disease.;The prevalence of the variant in affected individuals is significantly increased compared to the prevalence in controls.;Patient's phenotype or family history is highly specific for a disease with a single genetic etiology.

Literature cited by the submitters: PubMed 26830532 (cited by Women's Health and Genetics/Laboratory Corporation of America, LabCorp).